The following is an entry in ClinVar:

ClinVar aggregate classification (germline): Pathogenic (1 of 4 stars; one submission).

Submission:

Labcorp Genetics (formerly Invitae), Labcorp
Classification: Pathogenic. Last evaluated: 2023-02-08. Review status: criteria provided, single submitter. Criteria: Invitae Variant Classification Sherloc (09022015). Collection method: clinical testing. Allele origin: germline.
Comment: This variant has not been reported in the literature in individuals affected with MESP2-related conditions. This variant is not present in population databases (gnomAD no frequency). This sequence change creates a premature translational stop signal (p.Gln20*) in the MESP2 gene. It is expected to result in an absent or disrupted protein product. Loss-of-function variants in MESP2 are known to be pathogenic (PMID: 9242490, 18485326). ClinVar contains an entry for this variant (Variation ID: 1455327). For these reasons, this variant has been classified as Pathogenic.

Literature cited by the submitters: PubMed 9242490; PubMed 18485326.

NM_001039958.2(MESP2):c.58C>T (p.Gln20Ter)

Gene: MESP2 (mesoderm posterior bHLH transcription factor 2; plus strand). Cytogenetic location: 15q26.1.
Variant type: single nucleotide variant.
Coding change: c.58C>T on transcript NM_001039958.2 (MANE Select); coding-DNA position 58, C replaced by T.
Protein change: p.Gln20Ter; replaces glutamine 20 with a stop codon.
Molecular consequence: nonsense.
Genome position (GRCh38, 1-based): chr15:89,776,415, C>T. VCF-style: chr15-89776415-C-T. GRCh37 (hg19) VCF-style: chr15-90319646-C-T.
Other names: short protein forms Q20*.
Identifiers: ClinVar variation 1455327 (VCV001455327.6), dbSNP rs2141773848, ClinGen allele CA393768816.
Genomic context (GRCh38, chr15:89,776,415, plus strand): 5'-GCCATGGCCCAGTCGCCTCCTCCGCAGAGCCTCCTCGGCCACGACCACTGGATCTTCGCC[C>T]AGGGCTGGGGCTGGGCCGGCCACTGGGACTCCACGTCCCCGGCCTCCTCCTCCGATTCGT-3'